The following is an entry in ClinVar:

NC_000005.9:g.(?_110427987)_(110462581_?)dup

Gene: WDR36 (WD repeat domain 36; plus strand). Cytogenetic location: 5q22.1.
Variant type: Duplication.
Identifiers: ClinVar variation 1450895 (VCV001450895.5).

ClinVar aggregate classification (germline): Uncertain significance (1 of 4 stars; one submission).

Submission:

Labcorp Genetics (formerly Invitae), Labcorp
Classification: Uncertain significance. Last evaluated: 2023-08-04. Review status: criteria provided, single submitter. Criteria: Invitae Variant Classification Sherloc (09022015). Collection method: clinical testing. Allele origin: germline.
Comment: In summary, the available evidence is currently insufficient to determine the role of this variant in disease. Therefore, it has been classified as a Variant of Uncertain Significance. A copy number gain of the genomic region encompassing the full coding sequence of the WDR36 gene has been identified. The boundaries of this event are unknown as they extend beyond the assayed region for this gene and therefore may encompass additional genes. As the precise location of this event is unknown, it may be in tandem or it may be located elsewhere in the genome. This variant has not been reported in the literature in individuals affected with WDR36-related conditions.